The following is an entry in ClinVar:

ClinVar aggregate classification (germline): Pathogenic (1 of 4 stars; one submission).

Conditions:
Hereditary cancer-predisposing syndrome. Also called: Neoplastic Syndromes, Hereditary; Tumor predisposition; Hereditary Cancer Syndrome; Hereditary neoplastic syndrome. Identifiers: Orphanet 140162, MedGen C0027672, MeSH D009386, MONDO:0015356.

Submission:

Ambry Genetics
Classification: Pathogenic for Hereditary cancer-predisposing syndrome. Last evaluated: 2024-04-29. Review status: criteria provided, single submitter. Criteria: Ambry Variant Classification Scheme 2023. Collection method: clinical testing. Allele origin: germline.
Comment: The c.5951delC pathogenic mutation, located in coding exon 39 of the ATM gene, results from a deletion of one nucleotide at nucleotide position 5951, causing a translational frameshift with a predicted alternate stop codon (p.T1984Kfs*6). This variant is considered to be rare based on population cohorts in the Genome Aggregation Database (gnomAD). This alteration is expected to result in loss of function by premature protein truncation or nonsense-mediated mRNA decay. As such, this alteration is interpreted as a disease-causing mutation.

NM_000051.4(ATM):c.5951del (p.Thr1984fs)

Genes: ATM (ATM serine/threonine kinase; plus strand), C11orf65 (chromosome 11 open reading frame 65; minus strand). Cytogenetic location: 11q22.3.
Variant type: Deletion.
Coding change: c.5951del on transcript NM_000051.4 (MANE Select); coding-DNA position 5951, one base deleted (C; older notation c.5951delC).
Protein change: p.Thr1984fs; shifts the reading frame from threonine 1984.
Molecular consequence: frameshift variant. On other transcripts: intron variant (2).
Genome position (GRCh38, 1-based): chr11:108,312,443, C deleted. VCF-style (leftmost placement, unchanged base first): chr11-108312442-AC-A. GRCh37 (hg19) VCF-style: chr11-108183169-AC-A.
Other names: c.5951del, p.Thr1984fs (NM_001351834.2); c.641-3372del (NM_001330368.2); c.*39-3372del (NM_001351110.2); short protein forms T1984fs.
Identifiers: ClinVar variation 3325442 (VCV003325442.1).